The following is an entry in ClinVar:

NM_133433.4(NIPBL):c.1456A>G (p.Ile486Val)

Gene: NIPBL (NIPBL cohesin loading factor; plus strand). Cytogenetic location: 5p13.2.
Variant type: single nucleotide variant.
Coding change: c.1456A>G on transcript NM_133433.4 (MANE Select); coding-DNA position 1456, A replaced by G.
Protein change: p.Ile486Val; replaces isoleucine 486 with valine.
Molecular consequence: missense variant.
Genome position (GRCh38, 1-based): chr5:36,976,363, A>G. VCF-style: chr5-36976363-A-G. GRCh37 (hg19) VCF-style: chr5-36976465-A-G.
Other names: c.1456A>G, p.Ile486Val (NM_015384.5); c.1456A>G (NM_133433.3); short protein forms I486V.
Identifiers: ClinVar variation 289263 (VCV000289263.7), dbSNP rs886044139, ClinGen allele CA10606395.

ClinVar aggregate classification (germline): Uncertain significance. Review status: criteria provided, multiple submitters, no conflicts (2 of 4 stars). 3 submissions from 3 submitters: Uncertain significance (3). Last evaluated 2023-12-21.

Conditions:
Cornelia de Lange syndrome 1 (CDLS1). Also called: Brachmann de Lange syndrome; TYPUS DEGENERATIVUS AMSTELODAMENSIS; NIPBL-Related Cornelia de Lange Syndrome. Identifiers: Orphanet 199, MedGen C4551851, MONDO:0007387, OMIM 122470.

Allele frequency attached by ClinVar (database versions not stated): gnomAD exomes 0.00001.
gnomAD v4.1: 8 of 1,611,214 alleles (0.0005%); highest among the groups gnomAD compares: Non-Finnish European, 0.00068%; no homozygotes.

Submissions (3):

Fulgent Genetics
Classification: Uncertain significance for Cornelia de Lange syndrome 1. Last evaluated: 2023-12-21. Review status: criteria provided, single submitter. Criteria: ACMG Guidelines, 2015. Collection method: clinical testing. Allele origin: germline.

GeneDx
Classification: Uncertain significance. Last evaluated: 2023-02-08. Review status: criteria provided, single submitter. Criteria: GeneDx Variant Classification Process June 2021. Collection method: clinical testing. Allele origin: germline. Affected: yes.
Comment: Not observed at significant frequency in large population cohorts (gnomAD); In silico analysis supports that this missense variant does not alter protein structure/function; Has not been previously published as pathogenic or benign to our knowledge

Eurofins Ntd Llc (ga)
Classification: Uncertain significance. Last evaluated: 2016-08-08. Review status: criteria provided, single submitter. Criteria: EGL Classification Definitions 2015. Collection method: clinical testing. Allele origin: germline. Observed: 1 variant allele, 1 heterozygote.